The following is an entry in ClinVar:

NM_000432.4(MYL2):c.-1C>T

Genes: MYL2 (myosin light chain 2; minus strand), LOC114827850 (VISTA enhancer hs2149; plus strand). Cytogenetic location: 12q24.11.
Variant type: single nucleotide variant.
Coding change: c.-1C>T on transcript NM_000432.4 (MANE Select); 1 bases upstream of the start codon, C replaced by T.
Molecular consequence: 5 prime UTR variant. On other transcripts: intron variant (1).
Genome position (GRCh38, 1-based): chr12:110,920,530, G>A on the plus strand (C>T on the coding strand, the complement: MYL2 is on the minus strand). VCF-style: chr12-110920530-G-A. GRCh37 (hg19) VCF-style: chr12-111358334-G-A.
Other names: c.-1C>T (NM_001406745.1, NM_001406746.1); c.-55+859C>T (NM_001406916.1).
Identifiers: ClinVar variation 2587156 (VCV002587156.2), dbSNP rs2499816647, ClinGen allele CA2582341797.
Genomic context (GRCh38, chr12:110,920,530, plus strand): 5'-GTGGCTTCCTCTCCTCGCCCACCCGGCATCATCACCTCCTGGAGCCCTTGTACTCACCAT[G>A]GTGGAAAGGACCCAGCACTGCCTCCCGAGAAGAATTCCACACTCCGCCCAGCTCTCTGCA-3'

ClinVar aggregate classification (germline): Uncertain significance (1 of 4 stars; one submission).

Conditions:
Cardiovascular phenotype. Identifiers: MedGen CN230736.

Submission:

Ambry Genetics
Classification: Uncertain significance for Cardiovascular phenotype. Last evaluated: 2023-08-10. Review status: criteria provided, single submitter. Criteria: Ambry Variant Classification Scheme 2023. Collection method: clinical testing. Allele origin: germline.
Comment: The c.-1C>T variant is located in the 5' untranslated region (5&rsquo; UTR) of the MYL2 gene. This variant results from a C to T substitution 1 nucleotide upstream from the first translated codon. This nucleotide position is well conserved in available vertebrate species. Since supporting evidence is limited at this time, the clinical significance of this alteration remains unclear.